The following is an entry in ClinVar:

ClinVar aggregate classification (germline): Pathogenic/Likely pathogenic. Review status: criteria provided, multiple submitters, no conflicts (2 of 4 stars). 8 submissions from 7 submitters: Pathogenic (4); Likely pathogenic (3). 1 of the submissions does not count toward it. Last evaluated 2026-09-03.

Conditions:
Usher syndrome type 2A. Also called: USHER SYNDROME, TYPE IIA; RETINAL DISEASE IN USHER SYNDROME TYPE IIA, MODIFIER OF. Identifiers: Orphanet 231178, Orphanet 886, MedGen C1848634, MONDO:0010169, OMIM 276901.
Retinitis pigmentosa 39 (RP39). Identifiers: Orphanet 791, MedGen C3151138, MONDO:0013436, OMIM 613809.
USH2A-related disorder. Also called: USH2A-related disorders; USH2A-related condition. Identifiers: MedGen CN239332.

Allele frequency attached by ClinVar (database versions not stated): gnomAD 0.00001; TOPMed 0.00001; gnomAD exomes 0.00002; ExAC 0.00003.
gnomAD v4.1: 7 of 1,613,722 alleles (0.00043%); highest among the groups gnomAD compares: Non-Finnish European, 0.00059%; no homozygotes.

Submissions (8):

PreventionGenetics, part of Exact Sciences
Classification: Pathogenic for USH2A-related condition. Last evaluated: 2026-09-03. Review status: criteria provided, single submitter. Criteria: ACMG Guidelines, 2015. Collection method: clinical testing. Allele origin: germline.
Comment: The USH2A c.8557A>T variant is predicted to result in premature protein termination (p.Arg2853*). This variant was reported in an individual with Usher syndrome (Dreyer et al. 2008. PubMed ID: 18273898). This variant is reported in 0.0045% of alleles in individuals of European (Non-Finnish) descent in gnomAD. Nonsense variants in USH2A are expected to be pathogenic. This variant is interpreted as pathogenic.

Clinical Genetics Laboratory, Skane University Hospital Lund
Classification: Pathogenic. Last evaluated: 2023-12-05. Review status: criteria provided, single submitter. Criteria: ACMG Guidelines, 2015. Collection method: clinical testing. Allele origin: germline. Affected: yes.

Genome-Nilou Lab
Classification: Likely pathogenic for Retinitis pigmentosa 39. Last evaluated: 2023-11-04. Review status: criteria provided, single submitter. Criteria: ACMG Guidelines, 2015. Collection method: clinical testing. Allele origin: germline. Affected: no.

Genome-Nilou Lab
Classification: Likely pathogenic for Usher syndrome type 2A. Last evaluated: 2023-11-04. Review status: criteria provided, single submitter. Criteria: ACMG Guidelines, 2015. Collection method: clinical testing. Allele origin: germline. Affected: no.

Labcorp Genetics (formerly Invitae), Labcorp
Classification: Pathogenic. Last evaluated: 2022-08-05. Review status: criteria provided, single submitter. Criteria: Invitae Variant Classification Sherloc (09022015). Collection method: clinical testing. Allele origin: germline.
Comment: For these reasons, this variant has been classified as Pathogenic. Algorithms developed to predict the effect of sequence changes on RNA splicing suggest that this variant may disrupt the consensus splice site. ClinVar contains an entry for this variant (Variation ID: 555751). This premature translational stop signal has been observed in individual(s) with USH2A-related conditions (PMID: 18273898, 18641288, 27318125). This variant is present in population databases (rs749452910, gnomAD 0.005%). This sequence change creates a premature translational stop signal (p.Arg2853*) in the USH2A gene. It is expected to result in an absent or disrupted protein product. Loss-of-function variants in USH2A are known to be pathogenic (PMID: 10729113, 10909849, 20507924, 25649381).

Blueprint Genetics
Classification: Likely pathogenic for USH2A-related disorders. Last evaluated: 2019-01-16. Review status: criteria provided, single submitter. Criteria: ACMG Guidelines, 2015. Collection method: clinical testing. Allele origin: germline. Affected: yes. Observed: 1 variant allele.

Fulgent Genetics
Classification: Pathogenic for Usher syndrome type 2A; Retinitis pigmentosa 39. Last evaluated: 2018-10-31. Review status: criteria provided, single submitter. Criteria: ACMG Guidelines, 2015. Collection method: clinical testing. Allele origin: unknown.

Counsyl
Classification: Pathogenic for Usher syndrome type 2A; Retinitis pigmentosa 39. Last evaluated: 2017-12-21. Review status: no assertion criteria provided. Collection method: clinical testing. Allele origin: unknown. Not counted in ClinVar's aggregate classification.

Literature cited by the submitters: PubMed 18273898 (cited by Labcorp Genetics (formerly Invitae), Labcorp); PubMed 18641288 (cited by Labcorp Genetics (formerly Invitae), Labcorp); PubMed 27318125 (cited by Labcorp Genetics (formerly Invitae), Labcorp and Counsyl); PubMed 10729113 (cited by Labcorp Genetics (formerly Invitae), Labcorp); PubMed 10909849 (cited by Labcorp Genetics (formerly Invitae), Labcorp); PubMed 20507924 (cited by Labcorp Genetics (formerly Invitae), Labcorp); PubMed 25649381 (cited by Labcorp Genetics (formerly Invitae), Labcorp).

NM_206933.4(USH2A):c.8557A>T (p.Arg2853Ter)

Gene: USH2A (usherin; minus strand). Cytogenetic location: 1q41.
Variant type: single nucleotide variant.
Coding change: c.8557A>T on transcript NM_206933.4 (MANE Select); coding-DNA position 8557, A replaced by T.
Protein change: p.Arg2853Ter; replaces arginine 2853 with a stop codon.
Molecular consequence: nonsense.
Genome position (GRCh38, 1-based): chr1:215,878,765, T>A on the plus strand (A>T on the coding strand, the complement: USH2A is on the minus strand). VCF-style: chr1-215878765-T-A. GRCh37 (hg19) VCF-style: chr1-216052107-T-A.
Other names: short protein forms R2853*.
Identifiers: ClinVar variation 555751 (VCV000555751.17), dbSNP rs749452910, ClinGen allele CA1394590.